The following is an entry in ClinVar:

NM_000426.4(LAMA2):c.4993G>A (p.Gly1665Arg)

Gene: LAMA2 (laminin subunit alpha 2; plus strand). Cytogenetic location: 6q22.33.
Variant type: single nucleotide variant.
Coding change: c.4993G>A on transcript NM_000426.4 (MANE Select); coding-DNA position 4993, G replaced by A.
Protein change: p.Gly1665Arg; replaces glycine 1665 with arginine.
Molecular consequence: missense variant.
Genome position (GRCh38, 1-based): chr6:129,383,155, G>A. VCF-style: chr6-129383155-G-A. GRCh37 (hg19) VCF-style: chr6-129704300-G-A.
Other names: p.Gly1665Arg; c.4993G>A, p.Gly1665Arg (NM_001079823.2); short protein forms G1665R.
Identifiers: ClinVar variation 355274 (VCV000355274.22), dbSNP rs373997222, ClinGen allele CA3993749.

ClinVar aggregate classification (germline): Conflicting classifications of pathogenicity. Review status: criteria provided, conflicting classifications (1 of 4 stars). 6 submissions from 6 submitters: Uncertain significance (4); Likely benign (2). Last evaluated 2026-01-11.

Conditions:
Congenital muscular dystrophy due to partial LAMA2 deficiency. Identifiers: MedGen C1842898.
LAMA2-related muscular dystrophy (LAMA2-RD). Also called: Laminin alpha 2-related dystrophy. Identifiers: MedGen C5679788, MONDO:0100228.
Muscular dystrophy, limb-girdle, autosomal recessive 23. Identifiers: Orphanet 565837, MedGen C4748327, MONDO:0029136, OMIM 618138.
Merosin deficient congenital muscular dystrophy (MDC1A). Also called: Congenital merosin-deficient muscular dystrophy 1A; Congenital Muscular Dystrophy Type 1A (MDC1A). Identifiers: Orphanet 258, MedGen C1263858, MONDO:0011925, OMIM 607855.

Allele frequency attached by ClinVar (database versions not stated): gnomAD 0.00012 and 0.00019; TOPMed 0.00018; 1000 Genomes Project 0.00020; ESP Exome Variant Server 0.00023; 1000 Genomes Project 30x 0.00031; gnomAD exomes 0.00036 and 0.00046; ExAC 0.00038.
gnomAD v4.1: 541 of 1,613,824 alleles (0.034%); highest among the groups gnomAD compares: South Asian, 0.13%; no homozygotes.

Submissions (6):

Labcorp Genetics (formerly Invitae), Labcorp
Classification: Likely benign for LAMA2-related muscular dystrophy. Last evaluated: 2026-01-11. Review status: criteria provided, single submitter. Criteria: Invitae Variant Classification Sherloc (09022015). Collection method: clinical testing. Allele origin: germline.

Women's Health and Genetics/Laboratory Corporation of America, LabCorp
Classification: Uncertain significance. Last evaluated: 2023-10-16. Review status: criteria provided, single submitter. Criteria: LabCorp Variant Classification Summary - May 2015. Collection method: clinical testing. Allele origin: germline.
Comment: Variant summary: LAMA2 c.4993G>A (p.Gly1665Arg) results in a non-conservative amino acid change located in the laminin alpha, domain I (IPR009254) of the encoded protein sequence. Three of five in-silico tools predict a benign effect of the variant on protein function. The variant allele was found at a frequency of 0.00046 in 250414 control chromosomes, predominantly at a frequency of 0.0026 within the East Asian subpopulation in the gnomAD database. The observed variant frequency within East Asian control individuals in the gnomAD database is approximately equal to the estimated maximal expected allele frequency for a pathogenic variant in LAMA2 causing Laminin Alpha 2-Related Dystrophy phenotype (0.0022), suggesting that the variant may be a benign polymorphism found primarily in populations of East Asian origin. c.4993G>A has been reported in the literature in an individual suspected of Laminin Alpha 2-Related Dystrophy (Patel_2021). This report does not provide unequivocal conclusions about association of the variant with Laminin Alpha 2-Related Dystrophy. To our knowledge, no experimental evidence demonstrating an impact on protein function has been reported. The following publication has been ascertained in the context of this evaluation (PMID: 34925456). Three submitters have cited clinical-significance assessments for this variant to ClinVar after 2014. Two submitters classified the variant as likely benign and one as uncertain significance. Based on the evidence outlined above, the variant was classified as VUS-possibly benign.

Mayo Clinic Laboratories, Mayo Clinic
Classification: Uncertain significance. Last evaluated: 2023-03-17. Review status: criteria provided, single submitter. Criteria: ACMG Guidelines, 2015. Collection method: clinical testing. Allele origin: germline. Observed: 1 variant allele.
Comment: BP4

Department of Pathology and Laboratory Medicine, Sinai Health System
Classification: Uncertain significance for Merosin deficient congenital muscular dystrophy; Muscular dystrophy, limb-girdle, autosomal recessive 23. Last evaluated: 2021-07-30. Review status: criteria provided, single submitter. Criteria: ACMG Guidelines, 2015. Collection method: research. Allele origin: germline.

GeneDx
Classification: Likely benign. Last evaluated: 2019-04-02. Review status: criteria provided, single submitter. Criteria: GeneDx Variant Classification Process June 2021. Collection method: clinical testing. Allele origin: germline. Affected: yes.
Comment: See Variant Classification Assertion Criteria.

Illumina Laboratory Services, Illumina
Classification: Uncertain significance for Congenital muscular dystrophy due to partial LAMA2 deficiency. Last evaluated: 2018-01-12. Review status: criteria provided, single submitter. Criteria: ICSL Variant Classification Criteria 13 December 2019. Collection method: clinical testing. Allele origin: germline.

Literature cited by the submitters: PubMed 34925456 (cited by Women's Health and Genetics/Laboratory Corporation of America, LabCorp and Mayo Clinic Laboratories, Mayo Clinic).